The following is an entry in ClinVar:

ClinVar aggregate classification (germline): Uncertain significance (1 of 4 stars; one submission).

Conditions:
Hereditary cancer-predisposing syndrome. Also called: Neoplastic Syndromes, Hereditary; Hereditary Cancer Syndrome; Hereditary neoplastic syndrome; Tumor predisposition. Identifiers: Orphanet 140162, MedGen C0027672, MeSH D009386, MONDO:0015356.

Allele frequency attached by ClinVar (database versions not stated): gnomAD exomes below 0.00001.
gnomAD v4.1: 3 of 1,589,858 alleles (0.00019%); highest among the groups gnomAD compares: Non-Finnish European, 0.00017%; no homozygotes.

Submission:

Ambry Genetics
Classification: Uncertain significance for Hereditary cancer-predisposing syndrome. Last evaluated: 2025-09-25. Review status: criteria provided, single submitter. Criteria: Ambry Variant Classification Scheme 2023. Collection method: clinical testing. Allele origin: germline.
Comment: The p.A213T variant (also known as c.637G>A), located in coding exon 6 of the EPCAM gene, results from a G to A substitution at nucleotide position 637. The alanine at codon 213 is replaced by threonine, an amino acid with similar properties. This amino acid position is conserved. In addition, the in silico prediction for this alteration is inconclusive. Since supporting evidence is limited at this time, the clinical significance of this alteration remains unclear.

NM_002354.3(EPCAM):c.637G>A (p.Ala213Thr)

Gene: EPCAM (epithelial cell adhesion molecule; plus strand). Cytogenetic location: 2p21.
Variant type: single nucleotide variant.
Coding change: c.637G>A on transcript NM_002354.3 (MANE Select); coding-DNA position 637, G replaced by A.
Protein change: p.Ala213Thr; replaces alanine 213 with threonine.
Molecular consequence: missense variant.
Genome position (GRCh38, 1-based): chr2:47,379,034, G>A. VCF-style: chr2-47379034-G-A. GRCh37 (hg19) VCF-style: chr2-47606173-G-A.
Other names: short protein forms A213T.
Identifiers: ClinVar variation 2562278 (VCV002562278.3), dbSNP rs1446494297, ClinGen allele CA346724259.